The following is an entry in ClinVar:

NM_032737.4(LMNB2):c.16C>T (p.Pro6Ser)

Genes: LMNB2 (lamin B2; minus strand), LOC130063066 (ATAC-STARR-seq lymphoblastoid silent region 9792; plus strand). Cytogenetic location: 19p13.3.
Variant type: single nucleotide variant.
Coding change: c.16C>T on transcript NM_032737.4 (MANE Select); coding-DNA position 16, C replaced by T.
Protein change: p.Pro6Ser; replaces proline 6 with serine.
Molecular consequence: missense variant.
Genome position (GRCh38, 1-based): chr19:2,456,918, G>A on the plus strand (C>T on the coding strand, the complement: LMNB2 is on the minus strand). VCF-style: chr19-2456918-G-A. GRCh37 (hg19) VCF-style: chr19-2456916-G-A.
Other names: short protein forms P6S.
Identifiers: ClinVar variation 648011 (VCV000648011.9), dbSNP rs900966872, ClinGen allele CA304250276.

ClinVar aggregate classification (germline): Uncertain significance (1 of 4 stars; one submission).

Conditions:
Lipodystrophy, partial, acquired, susceptibility to (APLD). Also called: APLD, SUSCEPTIBILITY TO. Identifiers: MedGen C3887501, MONDO:0100476, OMIM 608709.
Progressive myoclonic epilepsy type 9. Identifiers: Orphanet 457265, MedGen C4225289, MONDO:0014685, OMIM 616540.

Allele frequency attached by ClinVar (database versions not stated): TOPMed 0.00004.

Submission:

Labcorp Genetics (formerly Invitae), Labcorp
Classification: Uncertain significance for Progressive myoclonic epilepsy type 9; Lipodystrophy, partial, acquired, susceptibility to. Last evaluated: 2025-02-24. Review status: criteria provided, single submitter. Criteria: Invitae Variant Classification Sherloc (09022015). Collection method: clinical testing. Allele origin: germline.
Comment: This sequence change replaces proline, which is neutral and non-polar, with serine, which is neutral and polar, at codon 6 of the LMNB2 protein (p.Pro6Ser). The frequency data for this variant in the population databases is considered unreliable, as metrics indicate insufficient coverage at this position in the gnomAD database. This variant has not been reported in the literature in individuals affected with LMNB2-related conditions. ClinVar contains an entry for this variant (Variation ID: 648011). Experimental studies and prediction algorithms are not available or were not evaluated, and the functional significance of this variant is currently unknown. In summary, the available evidence is currently insufficient to determine the role of this variant in disease. Therefore, it has been classified as a Variant of Uncertain Significance.